The following is an entry in ClinVar:

ClinVar aggregate classification (germline): Conflicting classifications of pathogenicity. Review status: criteria provided, conflicting classifications (1 of 4 stars). 2 submissions from 2 submitters: Pathogenic (1); Uncertain significance (1). Last evaluated 2026-01-30.

Conditions:
Hereditary cancer-predisposing syndrome. Also called: Tumor predisposition; Hereditary Cancer Syndrome; Neoplastic Syndromes, Hereditary; Hereditary neoplastic syndrome. Identifiers: Orphanet 140162, MedGen C0027672, MeSH D009386, MONDO:0015356.

Submissions (2):

Ambry Genetics
Classification: Uncertain significance for Hereditary cancer-predisposing syndrome. Last evaluated: 2026-01-30. Review status: criteria provided, single submitter. Criteria: Ambry Variant Classification Scheme 2023. Collection method: clinical testing. Allele origin: germline.
Comment: The c.2164delA variant, located in coding exon 19 of the POLE gene, results from a deletion of one nucleotide at nucleotide position 2164, causing a translational frameshift with a predicted alternate stop codon (p.R722Gfs*70). This alteration is expected to result in loss of function by premature protein truncation or nonsense-mediated mRNA decay. Although biallelic loss of function of POLE has been associated with autosomal recessive POLE deficiency, haploinsufficiency of POLE has not been established as a mechanism of disease for POLE-related polymerase proofreading-associated polyposis (PPAP) and POLE-related CMMRD-like syndrome. Based on the supporting evidence, this variant is expected to be causative of POLE deficiency when present along with a second pathogenic variant on the other allele; however, its clinical significance for PPAP and POLE-related CMMRD-like syndrome is unclear.

Labcorp Genetics (formerly Invitae), Labcorp
Classification: Pathogenic. Last evaluated: 2025-12-12. Review status: criteria provided, single submitter. Criteria: Invitae Variant Classification Sherloc (09022015). Collection method: clinical testing. Allele origin: germline.
Comment: This sequence change creates a premature translational stop signal (p.Arg722Glyfs*70) in the POLE gene. It is expected to result in an absent or disrupted protein product. Loss-of-function variants in POLE are known to be pathogenic (PMID: 23230001, 25948378, 30503519). This variant is not present in population databases (gnomAD no frequency). This variant has not been reported in the literature in individuals affected with POLE-related conditions. ClinVar contains an entry for this variant (Variation ID: 540729). For these reasons, this variant has been classified as Pathogenic.

Literature cited by the submitters: PubMed 23230001 (cited by Labcorp Genetics (formerly Invitae), Labcorp); PubMed 25948378 (cited by Labcorp Genetics (formerly Invitae), Labcorp); PubMed 30503519 (cited by Labcorp Genetics (formerly Invitae), Labcorp).

NM_006231.4(POLE):c.2164del (p.Arg722fs)

Gene: POLE (DNA polymerase epsilon, catalytic subunit; minus strand). Cytogenetic location: 12q24.33.
Variant type: Deletion.
Coding change: c.2164del on transcript NM_006231.4 (MANE Select); coding-DNA position 2164, one base deleted (A; older notation c.2164delA).
Protein change: p.Arg722fs; shifts the reading frame from arginine 722.
Molecular consequence: frameshift variant.
Genome position (GRCh38, 1-based): chr12:132,668,365, T deleted on the plus strand (A on the coding strand, the reverse complement: POLE is on the minus strand); the first of 2 consecutive T bases (chr12:132,668,365-132,668,366); deleting either gives the same sequence. VCF-style (leftmost placement, unchanged base first): chr12-132668364-CT-C. GRCh37 (hg19) VCF-style: chr12-133244950-CT-C.
Other names: c.2164delA (NM_006231.3, NM_006231.2); short protein forms R722fs.
Identifiers: ClinVar variation 540729 (VCV000540729.9), dbSNP rs1555227234, ClinGen allele CA658797990.